The following is an entry in ClinVar:

ClinVar aggregate classification (germline): Uncertain significance. Review status: criteria provided, multiple submitters, no conflicts (2 of 4 stars). 2 submissions from 2 submitters: Uncertain significance (2). Last evaluated 2022-12-15.

Conditions:
Cardiovascular phenotype. Identifiers: MedGen CN230736.

Allele frequency attached by ClinVar (database versions not stated): TOPMed 0.00001; ExAC 0.00004; gnomAD 0.00005 and 0.00006; gnomAD exomes 0.00005.
gnomAD v4.1: 74 of 1,613,906 alleles (0.0046%); highest among the groups gnomAD compares: Non-Finnish European, 0.0016%; no homozygotes.

Submissions (2):

Blueprint Genetics
Classification: Uncertain significance. Last evaluated: 2022-12-15. Review status: criteria provided, single submitter. Criteria: ACMG Guidelines, 2015. Collection method: clinical testing. Allele origin: germline.

Ambry Genetics
Classification: Uncertain significance for Cardiovascular phenotype. Last evaluated: 2016-12-30. Review status: criteria provided, single submitter. Criteria: Ambry Variant Classification Scheme 2023. Collection method: clinical testing. Allele origin: germline.
Comment: The p.G3892R variant (also known as c.11674G>A), located in coding exon 44 of the ANK2 gene, results from a G to A substitution at nucleotide position 11674. The glycine at codon 3892 is replaced by arginine, an amino acid with dissimilar properties. This amino acid position is highly conserved in available vertebrate species. In addition, this alteration is predicted to be deleterious by in silico analysis. Since supporting evidence is limited at this time, the clinical significance of this alteration remains unclear.

NM_001148.6(ANK2):c.11674G>A (p.Gly3892Arg)

Gene: ANK2 (ankyrin 2; plus strand). Cytogenetic location: 4q26.
Variant type: single nucleotide variant.
Coding change: c.11674G>A on transcript NM_001148.6 (MANE Select); coding-DNA position 11674, G replaced by A.
Protein change: p.Gly3892Arg; replaces glycine 3892 with arginine.
Molecular consequence: missense variant. On other transcripts: intron variant (1).
Genome position (GRCh38, 1-based): chr4:113,373,153, G>A. VCF-style: chr4-113373153-G-A. GRCh37 (hg19) VCF-style: chr4-114294309-G-A.
Other names: c.5392G>A, p.Gly1798Arg (NM_001127493.3); c.5431G>A, p.Gly1811Arg (NM_001354225.2); c.5413G>A, p.Gly1805Arg (NM_001354228.2); c.5398G>A, p.Gly1800Arg (NM_001354230.2); c.5554G>A, p.Gly1852Arg (NM_001354231.2); c.5548G>A, p.Gly1850Arg (NM_001354232.2); c.5509G>A, p.Gly1837Arg (NM_001354235.2); c.5317G>A, p.Gly1773Arg (NM_001354236.2); and 44 more; short protein forms G1798R, G3892R, G1679R, G1720R, G1774R, G1797R, G1800R, G1821R.
Identifiers: ClinVar variation 519380 (VCV000519380.6), dbSNP rs778797451, ClinGen allele CA3052344.